The following is an entry in ClinVar:

NM_013275.6(ANKRD11):c.1162G>A (p.Val388Ile)

Gene: ANKRD11 (ankyrin repeat domain 11; minus strand). Cytogenetic location: 16q24.3.
Variant type: single nucleotide variant.
Coding change: c.1162G>A on transcript NM_013275.6 (MANE Select); coding-DNA position 1162, G replaced by A.
Protein change: p.Val388Ile; replaces valine 388 with isoleucine.
Molecular consequence: missense variant.
Genome position (GRCh38, 1-based): chr16:89,285,380, C>T on the plus strand (G>A on the coding strand, the complement: ANKRD11 is on the minus strand). VCF-style: chr16-89285380-C-T. GRCh37 (hg19) VCF-style: chr16-89351788-C-T.
Other names: c.1162G>A, p.Val388Ile (NM_001256182.2, NM_001256183.2); short protein forms V388I.
Identifiers: ClinVar variation 1716055 (VCV001716055.5), dbSNP rs376653754, ClinGen allele CA8242845.

ClinVar aggregate classification (germline): Uncertain significance (1 of 4 stars; one submission).

Conditions:
KBG syndrome (KBGS). Also called: ANKRD11-Related KBG Syndrome. Identifiers: Orphanet 2332, MedGen C0220687, MONDO:0007846, OMIM 148050.

Allele frequency attached by ClinVar (database versions not stated): ExAC 0.00001; ESP Exome Variant Server 0.00008.

Submission:

Labcorp Genetics (formerly Invitae), Labcorp
Classification: Uncertain significance for KBG syndrome. Last evaluated: 2022-09-13. Review status: criteria provided, single submitter. Criteria: Invitae Variant Classification Sherloc (09022015). Collection method: clinical testing. Allele origin: germline.
Comment: This variant has not been reported in the literature in individuals affected with ANKRD11-related conditions. This variant is present in population databases (rs376653754, gnomAD 0.0009%). This sequence change replaces valine, which is neutral and non-polar, with isoleucine, which is neutral and non-polar, at codon 388 of the ANKRD11 protein (p.Val388Ile). In summary, the available evidence is currently insufficient to determine the role of this variant in disease. Therefore, it has been classified as a Variant of Uncertain Significance. Advanced modeling of protein sequence and biophysical properties (such as structural, functional, and spatial information, amino acid conservation, physicochemical variation, residue mobility, and thermodynamic stability) performed at Invitae indicates that this missense variant is not expected to disrupt ANKRD11 protein function.